The following is an entry in ClinVar:

NM_000372.5(TYR):c.626C>G (p.Pro209Arg)

Gene: TYR (tyrosinase; plus strand). Cytogenetic location: 11q14.3.
Variant type: single nucleotide variant.
Coding change: c.626C>G on transcript NM_000372.5 (MANE Select); coding-DNA position 626, C replaced by G.
Protein change: p.Pro209Arg; replaces proline 209 with arginine.
Molecular consequence: missense variant.
Genome position (GRCh38, 1-based): chr11:89,178,579, C>G. VCF-style: chr11-89178579-C-G. GRCh37 (hg19) VCF-style: chr11-88911747-C-G.
Other names: short protein forms P209R.
Identifiers: ClinVar variation 3907350 (VCV003907350.1).

ClinVar aggregate classification (germline): Likely pathogenic (1 of 4 stars; one submission).

Conditions:
Oculocutaneous albinism. Identifiers: Orphanet 55, MedGen C0078918, MONDO:0018910.

Submission:

Women's Health and Genetics/Laboratory Corporation of America, LabCorp
Classification: Likely pathogenic for Oculocutaneous albinism. Last evaluated: 2025-06-05. Review status: criteria provided, single submitter. Criteria: LabCorp Variant Classification Summary - May 2015. Collection method: clinical testing. Allele origin: germline.
Comment: Variant summary: TYR c.626C>G (p.Pro209Arg) results in a non-conservative amino acid change in the encoded protein sequence. Algorithms developed to predict the effect of missense changes on protein structure and function all suggest that this variant is likely to be disruptive. The variant was absent in 251364 control chromosomes. c.626C>G has been observed in the heterozygous state in at least one individual affected with Oculocutaneous Albinism, however, a second allele was not identified (King_2003). These report(s) do not provide unequivocal conclusions about association of the variant with Oculocutaneous Albinism. A different variant affecting the same codon has been classified as likely pathogenic by our lab (c.626C>T, p.Pro209Leu), supporting the critical relevance of codon 209 to TYR protein function. At least one publication reports experimental evidence evaluating an impact on protein function. The most pronounced variant effect results in absent enzyme activity (Mondal_2016). The following publications have been ascertained in the context of this evaluation (PMID: 13680365, 27537549). No submitters have cited clinical-significance assessments for this variant to ClinVar. Based on the evidence outlined above, the variant was classified as likely pathogenic.

Literature cited by the submitters: PubMed 13680365; PubMed 27537549.